The following is an entry in ClinVar:

ClinVar aggregate classification (germline): Conflicting classifications of pathogenicity. Review status: criteria provided, conflicting classifications (1 of 4 stars). 6 submissions from 6 submitters: Uncertain significance (5); Likely benign (1). Last evaluated 2025-11-10.

Conditions:
Hereditary breast ovarian cancer syndrome. Also called: Hereditary breast and ovarian cancer syndrome; BRCA1- and BRCA2-Associated Hereditary Breast and Ovarian Cancer; Breast and ovarian cancer; Hereditary breast and/or ovarian cancer syndrome; Hereditary breast and ovarian cancer; Hereditary breast and ovarian cancer syndrome (HBOC). Identifiers: Orphanet 145, MedGen C0677776, MeSH D061325, MONDO:0003582. Disease mechanism: loss of function.
Hereditary cancer-predisposing syndrome. Also called: Neoplastic Syndromes, Hereditary; Tumor predisposition; Hereditary Cancer Syndrome; Hereditary neoplastic syndrome. Identifiers: Orphanet 140162, MedGen C0027672, MeSH D009386, MONDO:0015356.
Breast and/or ovarian cancer. Identifiers: MedGen CN221562.

Allele frequency attached by ClinVar (database versions not stated): gnomAD exomes below 0.00001; TOPMed 0.00002.
gnomAD v4.1: 7 of 1,612,132 alleles (0.00043%); highest among the groups gnomAD compares: Non-Finnish European, 0.00059%; no homozygotes.

Submissions (6):

Labcorp Genetics (formerly Invitae), Labcorp
Classification: Uncertain significance for Hereditary breast ovarian cancer syndrome. Last evaluated: 2025-11-10. Review status: criteria provided, single submitter. Criteria: Invitae Variant Classification Sherloc (09022015). Collection method: clinical testing. Allele origin: germline.
Comment: This sequence change replaces proline, which is neutral and non-polar, with alanine, which is neutral and non-polar, at codon 2347 of the BRCA2 protein (p.Pro2347Ala). This variant is present in population databases (no rsID available, gnomAD 0.0009%). This variant has not been reported in the literature in individuals affected with BRCA2-related conditions. ClinVar contains an entry for this variant (Variation ID: 233828). Invitae Evidence Modeling of protein sequence and biophysical properties (such as structural, functional, and spatial information, amino acid conservation, physicochemical variation, residue mobility, and thermodynamic stability) indicates that this missense variant is not expected to disrupt BRCA2 protein function with a negative predictive value of 95%. In summary, the available evidence is currently insufficient to determine the role of this variant in disease. Therefore, it has been classified as a Variant of Uncertain Significance.

Quest Diagnostics Nichols Institute San Juan Capistrano
Classification: Uncertain significance. Last evaluated: 2025-02-18. Review status: criteria provided, single submitter. Criteria: Quest Diagnostics criteria. Collection method: clinical testing. Allele origin: unknown.
Comment: The BRCA2 c.7039C>G (p.Pro2347Ala) variant has been reported in the published literature in individuals from a breast cancer cohort (PMID: 38153744 (2023)), a prostate cancer cohort (PMID: 36922933 (2022)), and from a large unspecific hereditary cancer cohort (PMID: 31853058 (2020)). This variant has also been described to be located in a region of the BRCA2 gene that is tolerant to missense sequence changes (PMID: 31911673 (2020)). A functional study demonstrated that this variant had an inconclusive effect on protein function (PMID: 37922907 (2023)). The frequency of this variant in the general population (Genome Aggregation Database) is uninformative in the assessment of its pathogenicity. Analysis of this variant using bioinformatics tools for the prediction of the effect of amino acid changes on protein structure and function yielded predictions that this variant is conflicting. Based on the available information, we are unable to determine the clinical significance of this variant.

Color Diagnostics, LLC DBA Color Health
Classification: Likely benign for Hereditary cancer-predisposing syndrome. Last evaluated: 2024-09-30. Review status: criteria provided, single submitter. Criteria: ACMG Guidelines, 2015. Collection method: clinical testing. Allele origin: germline.

Ambry Genetics
Classification: Uncertain significance for Hereditary cancer-predisposing syndrome. Last evaluated: 2024-08-21. Review status: criteria provided, single submitter. Criteria: Ambry Variant Classification Scheme 2023. Collection method: clinical testing. Allele origin: germline.
Comment: The p.P2347A variant (also known as c.7039C>G), located in coding exon 13 of the BRCA2 gene, results from a C to G substitution at nucleotide position 7039. The proline at codon 2347 is replaced by alanine, an amino acid with highly similar properties. This amino acid position is well conserved in available vertebrate species. In addition, the in silico prediction for this alteration is inconclusive. Based on the available evidence, the clinical significance of this variant remains unclear.

CHEO Genetics Diagnostic Laboratory, Children's Hospital of Eastern Ontario
Classification: Uncertain significance for Breast and/or ovarian cancer. Last evaluated: 2022-12-30. Review status: criteria provided, single submitter. Criteria: ACMG Guidelines, 2015. Collection method: clinical testing. Allele origin: germline.

ARUP Laboratories, Molecular Genetics and Genomics, ARUP Laboratories
Classification: Uncertain significance. Last evaluated: 2020-12-23. Review status: criteria provided, single submitter. Criteria: ARUP Molecular Germline Variant Investigation Process 2021. Collection method: clinical testing. Allele origin: germline.
Comment: The BRCA2 c.7039C>G; p.Pro2347Ala variant (rs876660668), to our knowledge, is not reported in the medical literature but is reported in ClinVar (Variation ID: 233828). This variant is only observed on one allele in the Genome Aggregation Database, indicating it is not a common polymorphism. The proline at codon 2347 is moderately conserved, and computational analyses are uncertain whether this variant is neutral or deleterious (REVEL: 0.4). Due to limited information, the clinical significance of the p.Pro2347Ala variant is uncertain at this time.

Literature cited by the submitters: PubMed 37922907 (cited by Quest Diagnostics Nichols Institute San Juan Capistrano); PubMed 31911673 (cited by Quest Diagnostics Nichols Institute San Juan Capistrano); PubMed 36922933 (cited by Quest Diagnostics Nichols Institute San Juan Capistrano); PubMed 38153744 (cited by Quest Diagnostics Nichols Institute San Juan Capistrano); PubMed 31853058 (cited by Quest Diagnostics Nichols Institute San Juan Capistrano).

NM_000059.4(BRCA2):c.7039C>G (p.Pro2347Ala)

Gene: BRCA2 (BRCA2 DNA repair associated; plus strand). Cytogenetic location: 13q13.1.
Variant type: single nucleotide variant.
Coding change: c.7039C>G on transcript NM_000059.4 (MANE Select); coding-DNA position 7039, C replaced by G.
Protein change: p.Pro2347Ala; replaces proline 2347 with alanine.
Molecular consequence: missense variant.
Genome position (GRCh38, 1-based): chr13:32,354,892, C>G. VCF-style: chr13-32354892-C-G. GRCh37 (hg19) VCF-style: chr13-32929029-C-G.
Other names: short protein forms P2347A.
Identifiers: ClinVar variation 233828 (VCV000233828.20), dbSNP rs876660668, ClinGen allele CA10579720.